The following is an entry in ClinVar:

ClinVar aggregate classification (germline): Uncertain significance. Review status: criteria provided, multiple submitters, no conflicts (2 of 4 stars). 3 submissions from 3 submitters: Uncertain significance (3). Last evaluated 2025-10-07.

Conditions:
Inborn genetic diseases. Identifiers: MedGen C0950123, MeSH D030342.
MERTK-related disorder. Also called: MERTK-related condition.

Allele frequency attached by ClinVar (database versions not stated): gnomAD exomes 0.00001 and 0.00007; TOPMed 0.00001; ExAC 0.00003.
gnomAD v4.1: 22 of 1,614,110 alleles (0.0014%); highest among the groups gnomAD compares: Admixed American, 0.035%; no homozygotes.

Submissions (3):

Ambry Genetics
Classification: Uncertain significance for Inborn genetic diseases. Last evaluated: 2025-10-07. Review status: criteria provided, single submitter. Criteria: Ambry Variant Classification Scheme 2023. Collection method: clinical testing. Allele origin: germline.

PreventionGenetics, part of Exact Sciences
Classification: Uncertain significance for MERTK-related condition. Last evaluated: 2024-12-13. Review status: criteria provided, single submitter. Criteria: ACMG Guidelines, 2015. Collection method: clinical testing. Allele origin: germline.
Comment: The MERTK c.379A>T variant is predicted to result in the amino acid substitution p.Thr127Ser. To our knowledge, this variant has not been reported in the literature. This variant is reported in 0.049% of alleles in individuals of Latino descent in gnomAD. At this time, the clinical significance of this variant is uncertain due to the absence of conclusive functional and genetic evidence.

Labcorp Genetics (formerly Invitae), Labcorp
Classification: Uncertain significance. Last evaluated: 2024-12-09. Review status: criteria provided, single submitter. Criteria: Invitae Variant Classification Sherloc (09022015). Collection method: clinical testing. Allele origin: germline.
Comment: This sequence change replaces threonine, which is neutral and polar, with serine, which is neutral and polar, at codon 127 of the MERTK protein (p.Thr127Ser). This variant is present in population databases (rs774145774, gnomAD 0.05%). This variant has not been reported in the literature in individuals affected with MERTK-related conditions. ClinVar contains an entry for this variant (Variation ID: 1044332). Invitae Evidence Modeling of protein sequence and biophysical properties (such as structural, functional, and spatial information, amino acid conservation, physicochemical variation, residue mobility, and thermodynamic stability) indicates that this missense variant is not expected to disrupt MERTK protein function with a negative predictive value of 80%. In summary, the available evidence is currently insufficient to determine the role of this variant in disease. Therefore, it has been classified as a Variant of Uncertain Significance.

NM_006343.3(MERTK):c.379A>T (p.Thr127Ser)

Gene: MERTK (MER proto-oncogene, tyrosine kinase; plus strand). Cytogenetic location: 2q13.
Variant type: single nucleotide variant.
Coding change: c.379A>T on transcript NM_006343.3 (MANE Select); coding-DNA position 379, A replaced by T.
Protein change: p.Thr127Ser; replaces threonine 127 with serine.
Molecular consequence: missense variant.
Genome position (GRCh38, 1-based): chr2:111,929,437, A>T. VCF-style: chr2-111929437-A-T. GRCh37 (hg19) VCF-style: chr2-112687014-A-T.
Other names: c.379A>T (NM_006343.2); short protein forms T127S.
Identifiers: ClinVar variation 1044332 (VCV001044332.8), dbSNP rs774145774, ClinGen allele CA1831023.